The following is an entry in ClinVar:

NM_007146.3(VEZF1):c.155C>G (p.Pro52Arg)

Gene: VEZF1 (vascular endothelial zinc finger 1; minus strand). Cytogenetic location: 17q22.
Variant type: single nucleotide variant.
Coding change: c.155C>G on transcript NM_007146.3 (MANE Select); coding-DNA position 155, C replaced by G.
Protein change: p.Pro52Arg; replaces proline 52 with arginine.
Molecular consequence: missense variant.
Genome position (GRCh38, 1-based): chr17:57,983,272, G>C on the plus strand (C>G on the coding strand, the complement: VEZF1 is on the minus strand). VCF-style: chr17-57983272-G-C. GRCh37 (hg19) VCF-style: chr17-56060633-G-C.
Other names: c.128C>G, p.Pro43Arg (NM_001330393.2); short protein forms P52R, P43R.
Identifiers: ClinVar variation 5005780 (VCV005005780.2).

ClinVar aggregate classification (germline): Uncertain significance (1 of 4 stars; one submission).

Conditions:
Cardiomyopathy, dilated, 100. Also called: Cardiomyopathy, dilated, 1OO. Identifiers: MedGen C5830291, MONDO:0859381, OMIM 620247.

Submission:

Juno Genomics, Hangzhou Juno Genomics, Inc
Classification: Uncertain significance for Cardiomyopathy, dilated, 100. Review status: criteria provided, single submitter. Criteria: ACMG Guidelines, 2015. Collection method: clinical testing. Allele origin: germline.
Comment: Absent from controls (or at extremely low frequency if recessive) in Genome Aggregation Database.;Missense variant in a gene that has a low rate of benign missense variation.